The following is an entry in ClinVar:

ClinVar aggregate classification (germline): Conflicting classifications of pathogenicity. Review status: criteria provided, conflicting classifications (1 of 4 stars). 7 submissions from 7 submitters: Uncertain significance (3); Likely benign (4). Last evaluated 2026-06-01.

Conditions:
FLNB-related disorder. Also called: FLNB-related disorders; FLNB-related condition. Identifiers: MedGen CN381095.
FLNB-Related Spectrum Disorders.

Allele frequency attached by ClinVar (database versions not stated): ESP Exome Variant Server 0.00008; gnomAD 0.00024 and 0.00025; TOPMed 0.00026; gnomAD exomes 0.00032 and 0.00036; ExAC 0.00034.
gnomAD v4.1: 521 of 1,608,388 alleles (0.032%); highest among the groups gnomAD compares: Middle Eastern, 0.43%; 1 homozygote.

Submissions (7):

CeGaT Center for Human Genetics Tuebingen
Classification: Likely benign. Last evaluated: 2026-06-01. Review status: criteria provided, single submitter. Criteria: CeGaT Center For Human Genetics Tuebingen Variant Classification Criteria Version 2. Collection method: clinical testing. Allele origin: germline. Affected: yes. Observed: 2 variant alleles.
Comment: FLNB: BP4, BP7

Labcorp Genetics (formerly Invitae), Labcorp
Classification: Likely benign. Last evaluated: 2026-02-01. Review status: criteria provided, single submitter. Criteria: Invitae Variant Classification Sherloc (09022015). Collection method: clinical testing. Allele origin: germline.

Blueprint Genetics
Classification: Likely benign. Last evaluated: 2024-11-11. Review status: criteria provided, single submitter. Criteria: ACMG Guidelines, 2015. Collection method: clinical testing. Allele origin: germline.

PreventionGenetics, part of Exact Sciences
Classification: Uncertain significance for FLNB-related condition. Last evaluated: 2023-01-24. Review status: criteria provided, single submitter. Criteria: ACMG Guidelines, 2015. Collection method: clinical testing. Allele origin: germline.
Comment: The FLNB c.3594G>A variant is not predicted to result in an amino acid change (p.=). This variant is predicted to alter splicing based on available splicing prediction programs (Alamut Visual v2.11). However, such computer prediction programs are imperfect. To our knowledge, this variant has not been reported in the literature. This variant is reported in 0.11% of alleles in individuals of Ashkenazi Jewish descent in gnomAD. At this time, the clinical significance of this variant is uncertain due to the absence of conclusive functional and genetic evidence.

ARUP Laboratories, Molecular Genetics and Genomics, ARUP Laboratories
Classification: Likely benign. Last evaluated: 2018-07-31. Review status: criteria provided, single submitter. Criteria: ARUP Molecular Germline Variant Investigation Process. Collection method: clinical testing. Allele origin: germline.

Illumina Laboratory Services, Illumina
Classification: Uncertain significance for FLNB-Related Spectrum Disorders. Last evaluated: 2018-01-12. Review status: criteria provided, single submitter. Criteria: ICSL Variant Classification Criteria 13 December 2019. Collection method: clinical testing. Allele origin: germline.

Eurofins Ntd Llc (ga)
Classification: Uncertain significance. Last evaluated: 2017-01-24. Review status: criteria provided, single submitter. Criteria: EGL Classification Definitions 2015. Collection method: clinical testing. Allele origin: germline. Observed: 1 variant allele, 1 heterozygote.

NM_001457.4(FLNB):c.3594G>A (p.Thr1198=)

Gene: FLNB (filamin B; plus strand). Cytogenetic location: 3p14.3.
Variant type: single nucleotide variant.
Coding change: c.3594G>A on transcript NM_001457.4 (MANE Select); coding-DNA position 3594, G replaced by A.
Protein change: p.Thr1198=; no amino-acid change (threonine 1198 retained).
Molecular consequence: synonymous variant.
Genome position (GRCh38, 1-based): chr3:58,123,560, G>A. VCF-style: chr3-58123560-G-A. GRCh37 (hg19) VCF-style: chr3-58109287-G-A.
Other names: c.3594G>A, p.Thr1198= (NM_001164317.2, NM_001164318.2, NM_001164319.2).
Identifiers: ClinVar variation 499767 (VCV000499767.40), dbSNP rs143566075, ClinGen allele CA2468453.